The following is an entry in ClinVar:

NM_032977.4(CASP10):c.1379A>G (p.Gln460Arg)

Gene: CASP10 (caspase 10; plus strand). Cytogenetic location: 2q33.1.
Variant type: single nucleotide variant.
Coding change: c.1379A>G on transcript NM_032977.4 (MANE Select); coding-DNA position 1379, A replaced by G.
Protein change: p.Gln460Arg; replaces glutamine 460 with arginine.
Molecular consequence: missense variant. On other transcripts: 3 prime UTR variant (1).
Genome position (GRCh38, 1-based): chr2:201,209,526, A>G. VCF-style: chr2-201209526-A-G. GRCh37 (hg19) VCF-style: chr2-202074249-A-G.
Other names: c.1178A>G, p.Gln393Arg (NM_001206524.2); c.1250A>G, p.Gln417Arg (NM_001206542.2, NM_001230.5); c.1379A>G, p.Gln460Arg (NM_032974.5); c.*465A>G (NM_032976.4); short protein forms Q393R, Q417R, Q460R.
Identifiers: ClinVar variation 3753496 (VCV003753496.2).

ClinVar aggregate classification (germline): Uncertain significance (1 of 4 stars; one submission).

Conditions:
Autoimmune lymphoproliferative syndrome type 2A (ALPS2A). Also called: CASP10-Related Autoimmune Lymphoproliferative Syndrome; AUTOIMMUNE LYMPHOPROLIFERATIVE SYNDROME, TYPE IIA; Autoimmune lymphoproliferative syndrome type 2. Identifiers: Orphanet 3261, MedGen C1858968, MONDO:0011383, OMIM 603909.

gnomAD v4.1: 22 of 1,612,544 alleles (0.0014%); highest among the groups gnomAD compares: Non-Finnish European, 0.0019%; no homozygotes.

Submission:

Labcorp Genetics (formerly Invitae), Labcorp
Classification: Uncertain significance for Autoimmune lymphoproliferative syndrome type 2A. Last evaluated: 2024-06-30. Review status: criteria provided, single submitter. Criteria: Invitae Variant Classification Sherloc (09022015). Collection method: clinical testing. Allele origin: germline.
Comment: This sequence change replaces glutamine, which is neutral and polar, with arginine, which is basic and polar, at codon 460 of the CASP10 protein (p.Gln460Arg). This variant is present in population databases (rs781652438, gnomAD 0.003%). This variant has not been reported in the literature in individuals affected with CASP10-related conditions. Advanced modeling of protein sequence and biophysical properties (such as structural, functional, and spatial information, amino acid conservation, physicochemical variation, residue mobility, and thermodynamic stability) performed at Invitae indicates that this missense variant is not expected to disrupt CASP10 protein function with a negative predictive value of 80%. In summary, the available evidence is currently insufficient to determine the role of this variant in disease. Therefore, it has been classified as a Variant of Uncertain Significance.